The following is an entry in ClinVar:

NM_004456.5(EZH2):c.2110+39A>C

Gene: EZH2 (enhancer of zeste 2 polycomb repressive complex 2 subunit; minus strand). Cytogenetic location: 7q36.1.
Variant type: single nucleotide variant.
Coding change: c.2110+39A>C on transcript NM_004456.5 (MANE Select); 39 bases into the intron after coding-DNA position 2110, A replaced by C.
Molecular consequence: intron variant.
Genome position (GRCh38, 1-based): chr7:148,809,271, T>G on the plus strand (A>C on the coding strand, the complement: EZH2 is on the minus strand). VCF-style: chr7-148809271-T-G. GRCh37 (hg19) VCF-style: chr7-148506363-T-G.
Other names: c.2068+39A>C (NM_001203248.2); c.1978+39A>C (NM_152998.3); c.2095+39A>C (NM_001203247.2); c.1942+39A>C (NM_001203249.2).
Identifiers: ClinVar variation 670473 (VCV000670473.2), dbSNP rs10268879, ClinGen allele CA4547698.

ClinVar aggregate classification (germline): Benign. Review status: criteria provided, multiple submitters, no conflicts (2 of 4 stars). 2 submissions from 2 submitters: Benign (2). Last evaluated 2018-06-16.

Allele frequency attached by ClinVar (database versions not stated): gnomAD exomes 0.08085; ExAC 0.08460; 1000 Genomes Project 0.11362; 1000 Genomes Project 30x 0.11868; TOPMed 0.14578; ESP Exome Variant Server 0.15208.
gnomAD v4.1: 138,451 of 1,588,490 alleles (8.7%); highest among the groups gnomAD compares: African/African-American, 29%; 8,252 homozygotes.

Submissions (2):

GeneDx
Classification: Benign. Last evaluated: 2018-06-16. Review status: criteria provided, single submitter. Criteria: GeneDx Variant Classification (06012015). Collection method: clinical testing. Allele origin: germline. Affected: yes.
Comment: This variant is considered likely benign or benign based on one or more of the following criteria: it is a conservative change, it occurs at a poorly conserved position in the protein, it is predicted to be benign by multiple in silico algorithms, and/or has population frequency not consistent with disease.

Breakthrough Genomics
Classification: Benign. Review status: criteria provided, single submitter. Criteria: ACMG Guidelines, 2015. Collection method: not provided. Allele origin: germline. Inheritance: Autosomal dominant inheritance. Affected: yes.